The following is an entry in ClinVar:

ClinVar aggregate classification (germline): Uncertain significance. Review status: criteria provided, multiple submitters, no conflicts (2 of 4 stars). 3 submissions from 3 submitters: Uncertain significance (3). Last evaluated 2025-09-28.

Conditions:
Inborn genetic diseases. Identifiers: MedGen C0950123, MeSH D030342.

Allele frequency attached by ClinVar (database versions not stated): gnomAD exomes 0.00002 and 0.00001; ExAC 0.00003; gnomAD 0.00011 and 0.00013; TOPMed 0.00011; ESP Exome Variant Server 0.00015.
gnomAD v4.1: 30 of 1,613,984 alleles (0.0019%); highest among the groups gnomAD compares: African/African-American, 0.036%; no homozygotes.

Submissions (3):

Labcorp Genetics (formerly Invitae), Labcorp
Classification: Uncertain significance. Last evaluated: 2025-09-28. Review status: criteria provided, single submitter. Criteria: Invitae Variant Classification Sherloc (09022015). Collection method: clinical testing. Allele origin: germline.
Comment: This sequence change replaces glutamic acid, which is acidic and polar, with glycine, which is neutral and non-polar, at codon 1320 of the MYO3A protein (p.Glu1320Gly). This variant is present in population databases (rs138034435, gnomAD 0.04%). This variant has not been reported in the literature in individuals affected with MYO3A-related conditions. ClinVar contains an entry for this variant (Variation ID: 1198638). Invitae Evidence Modeling of protein sequence and biophysical properties (such as structural, functional, and spatial information, amino acid conservation, physicochemical variation, residue mobility, and thermodynamic stability) indicates that this missense variant is not expected to disrupt MYO3A protein function with a negative predictive value of 80%. In summary, the available evidence is currently insufficient to determine the role of this variant in disease. Therefore, it has been classified as a Variant of Uncertain Significance.

GeneDx
Classification: Uncertain significance. Last evaluated: 2024-03-25. Review status: criteria provided, single submitter. Criteria: GeneDx Variant Classification Process June 2021. Collection method: clinical testing. Allele origin: germline. Affected: yes.
Comment: In silico analysis supports that this missense variant does not alter protein structure/function; Has not been previously published as pathogenic or benign to our knowledge

Ambry Genetics
Classification: Uncertain significance for Inborn genetic diseases. Last evaluated: 2023-03-21. Review status: criteria provided, single submitter. Criteria: Ambry Variant Classification Scheme 2023. Collection method: clinical testing. Allele origin: germline.

NM_017433.5(MYO3A):c.3959A>G (p.Glu1320Gly)

Gene: MYO3A (myosin IIIA; plus strand). Cytogenetic location: 10p12.1.
Variant type: single nucleotide variant.
Coding change: c.3959A>G on transcript NM_017433.5 (MANE Select); coding-DNA position 3959, A replaced by G.
Protein change: p.Glu1320Gly; replaces glutamic acid 1320 with glycine.
Molecular consequence: missense variant.
Genome position (GRCh38, 1-based): chr10:26,174,223, A>G. VCF-style: chr10-26174223-A-G. GRCh37 (hg19) VCF-style: chr10-26463152-A-G.
Other names: short protein forms E1320G.
Identifiers: ClinVar variation 1198638 (VCV001198638.8), dbSNP rs138034435, ClinGen allele CA5445351.
Genomic context (GRCh38, chr10:26,174,223, plus strand): 5'-GCATGGAAAAAGAAAAGAAGACATCTGTAGTTACCCAGCGTGCACCGATATGCAGCCAGG[A>G]GGAAGGCAGAGGCCGTCTGAGGCATGAGACAGTCAAAGAGAGGCAAGTTGAACCAGTGAC-3'
Protein context (NP_059129.3, residues 1310-1330): VTQRAPICSQ[Glu1320Gly]EGRGRLRHET